The following is an entry in ClinVar:

ClinVar aggregate classification (germline): Conflicting classifications of pathogenicity. Review status: criteria provided, conflicting classifications (1 of 4 stars). 3 submissions from 3 submitters: Uncertain significance (1); Likely benign (2). Last evaluated 2024-11-20.

Conditions:
TTLL5-related disorder. Also called: TTLL5-related condition.

Allele frequency attached by ClinVar (database versions not stated): ExAC 0.00041; gnomAD exomes 0.00044 and 0.00083; TOPMed 0.00046; gnomAD 0.00057 and 0.00059; ESP Exome Variant Server 0.00069; 1000 Genomes Project 30x 0.00078; 1000 Genomes Project 0.00080.
gnomAD v4.1: 1,338 of 1,613,686 alleles (0.083%); highest among the groups gnomAD compares: Non-Finnish European, 0.1%; no homozygotes.

Submissions (3):

Blueprint Genetics
Classification: Likely benign. Last evaluated: 2024-11-20. Review status: criteria provided, single submitter. Criteria: ACMG Guidelines, 2015. Collection method: clinical testing. Allele origin: germline.

PreventionGenetics, part of Exact Sciences
Classification: Likely benign for TTLL5-related condition. Last evaluated: 2024-11-11. Review status: criteria provided, single submitter. Criteria: ACMG Guidelines, 2015. Collection method: clinical testing. Allele origin: germline.
Comment: This variant is classified as likely benign based on ACMG/AMP sequence variant interpretation guidelines (Richards et al. 2015 PMID: 25741868, with internal and published modifications).

Labcorp Genetics (formerly Invitae), Labcorp
Classification: Uncertain significance. Last evaluated: 2022-10-13. Review status: criteria provided, single submitter. Criteria: Invitae Variant Classification Sherloc (09022015). Collection method: clinical testing. Allele origin: germline.
Comment: This sequence change affects codon 311 of the TTLL5 mRNA. It is a 'silent' change, meaning that it does not change the encoded amino acid sequence of the TTLL5 protein. It affects a nucleotide within the consensus splice site. This variant is present in population databases (rs77742126, gnomAD 0.08%). This variant has not been reported in the literature in individuals affected with TTLL5-related conditions. ClinVar contains an entry for this variant (Variation ID: 844368). Algorithms developed to predict the effect of sequence changes on RNA splicing suggest that this variant is not likely to affect RNA splicing. In summary, the available evidence is currently insufficient to determine the role of this variant in disease. Therefore, it has been classified as a Variant of Uncertain Significance.

NM_015072.5(TTLL5):c.933C>T (p.Thr311=)

Gene: TTLL5 (tubulin tyrosine ligase like 5; plus strand). Cytogenetic location: 14q24.3.
Variant type: single nucleotide variant.
Coding change: c.933C>T on transcript NM_015072.5 (MANE Select); coding-DNA position 933, C replaced by T.
Protein change: p.Thr311=; no amino-acid change (threonine 311 retained).
Molecular consequence: synonymous variant.
Genome position (GRCh38, 1-based): chr14:75,719,825, C>T. VCF-style: chr14-75719825-C-T. GRCh37 (hg19) VCF-style: chr14-76186168-C-T.
Identifiers: ClinVar variation 844368 (VCV000844368.7), dbSNP rs77742126, ClinGen allele CA7279151.